The following is an entry in ClinVar:

ClinVar aggregate classification (germline): Pathogenic/Likely pathogenic. Review status: criteria provided, multiple submitters, no conflicts (2 of 4 stars). 2 submissions from 2 submitters: Pathogenic (1); Likely pathogenic (1). Last evaluated 2022-05-13.

Conditions:
Isolated microphthalmia 5. Also called: Posterior Microphthalmia with Retinitis Pigmentosa, Foveoschisis, and Optic Disc Drusen. Identifiers: Orphanet 251279, MedGen C1970236, MONDO:0012605, OMIM 611040.
MFRP-related disorder. Also called: MFRP-related condition; MFRP-related disorders.

Allele frequency attached by ClinVar (database versions not stated): gnomAD 0.00002; gnomAD exomes 0.00001; TOPMed 0.00001.
gnomAD v4.1: 11 of 1,613,732 alleles (0.00068%); highest among the groups gnomAD compares: African/African-American, 0.0013%; no homozygotes.

Submissions (2):

Labcorp Genetics (formerly Invitae), Labcorp
Classification: Pathogenic for Isolated microphthalmia 5. Last evaluated: 2022-05-13. Review status: criteria provided, single submitter. Criteria: Invitae Variant Classification Sherloc (09022015). Collection method: clinical testing. Allele origin: germline.
Comment: For these reasons, this variant has been classified as Pathogenic. This sequence change creates a premature translational stop signal (p.Gln470*) in the MFRP gene. It is expected to result in an absent or disrupted protein product. Loss-of-function variants in MFRP are known to be pathogenic (PMID: 12140190, 15976030, 20361016). This variant is not present in population databases (gnomAD no frequency). This variant has not been reported in the literature in individuals affected with MFRP-related conditions. Algorithms developed to predict the effect of sequence changes on RNA splicing suggest that this variant may disrupt the consensus splice site.

Blueprint Genetics
Classification: Likely pathogenic for MFRP-related disorders. Last evaluated: 2018-10-18. Review status: criteria provided, single submitter. Criteria: ACMG Guidelines, 2015. Collection method: clinical testing. Allele origin: germline. Affected: yes. Observed: 2 variant alleles.

Literature cited by the submitters: PubMed 12140190 (cited by Labcorp Genetics (formerly Invitae), Labcorp); PubMed 15976030 (cited by Labcorp Genetics (formerly Invitae), Labcorp); PubMed 20361016 (cited by Labcorp Genetics (formerly Invitae), Labcorp).

NM_031433.4(MFRP):c.1408C>T (p.Gln470Ter)

Genes: C1QTNF5 (C1q and TNF related 5; minus strand), MFRP (membrane frizzled-related protein; minus strand). Cytogenetic location: 11q23.3.
Variant type: single nucleotide variant.
Coding change: c.1408C>T on transcript NM_031433.4 (MANE Select); coding-DNA position 1408, C replaced by T.
Protein change: p.Gln470Ter; replaces glutamine 470 with a stop codon.
Molecular consequence: nonsense. On other transcripts: 5 prime UTR variant (1).
Genome position (GRCh38, 1-based): chr11:119,341,964, G>A on the plus strand (C>T on the coding strand, the complement: MFRP is on the minus strand). VCF-style: chr11-119341964-G-A. GRCh37 (hg19) VCF-style: chr11-119212674-G-A.
Other names: c.-1229C>T (NM_015645.5); short protein forms Q470*.
Identifiers: ClinVar variation 1442130 (VCV001442130.7), dbSNP rs985358609, ClinGen allele CA229675240.